The following is an entry in ClinVar:

NM_021815.5(SLC5A7):c.1476_1481dup (p.Ile494_Ser495insCysIle)

Gene: SLC5A7 (solute carrier family 5 member 7; plus strand). Cytogenetic location: 2q12.3.
Variant type: Duplication.
Coding change: c.1476_1481dup on transcript NM_021815.5 (MANE Select); coding-DNA positions 1476 to 1481, 6 bases duplicated (TTGCAT; older notation c.1476_1481dupTTGCAT).
Protein change: p.Ile494_Ser495insCysIle.
Molecular consequence: inframe insertion.
Genome position (GRCh38, 1-based): chr2:108,010,594-108,010,599, TTGCAT duplicated; duplicating any 6 consecutive bases within chr2:108,010,591-108,010,599 gives the same sequence; the c. name uses the placement nearest the transcript's 3' end. VCF-style (leftmost placement, unchanged base first): chr2-108010590-A-ACATTTG. GRCh37 (hg19) VCF-style: chr2-108627046-A-ACATTTG.
Other names: c.1476_1481dup, p.Ile494_Ser495insCysIle (NM_001305005.3); c.1161_1166dup, p.Ile389_Ser390insCysIle (NM_001305006.3); c.735_740dup, p.Ile247_Ser248insCysIle (NM_001305007.3).
Identifiers: ClinVar variation 2948642 (VCV002948642.3), dbSNP rs2467133672, ClinGen allele CA2740095679.

ClinVar aggregate classification (germline): Uncertain significance (1 of 4 stars; one submission).

Conditions:
Neuronopathy, distal hereditary motor, type 7A. Also called: Neuronopathy, distal hereditary motor, type viia; NEURONOPATHY, DISTAL HEREDITARY MOTOR, HARDING TYPE VIIA; NEUROPATHY, DISTAL HEREDITARY MOTOR, HARDING TYPE VIIA; Neuronopathy, distal hereditary motor, autosomal dominant 7; HARPER-YOUNG MYOPATHY; HMN VIIA. Identifiers: Orphanet 139589, MedGen C1834703, MONDO:0008024, OMIM 158580.
Congenital myasthenic syndrome 20. Also called: Myasthenic syndrome, congenital, 20, presynaptic. Identifiers: MedGen C4310694, MONDO:0014939, OMIM 617143.

Submission:

Labcorp Genetics (formerly Invitae), Labcorp
Classification: Uncertain significance for Neuronopathy, distal hereditary motor, type 7A; Congenital myasthenic syndrome 20. Last evaluated: 2023-06-06. Review status: criteria provided, single submitter. Criteria: Invitae Variant Classification Sherloc (09022015). Collection method: clinical testing. Allele origin: germline.
Comment: In summary, the available evidence is currently insufficient to determine the role of this variant in disease. Therefore, it has been classified as a Variant of Uncertain Significance. Experimental studies and prediction algorithms are not available or were not evaluated, and the functional significance of this variant is currently unknown. This variant has not been reported in the literature in individuals affected with SLC5A7-related conditions. This variant is not present in population databases (gnomAD no frequency). This variant, c.1476_1481dup, results in the insertion of 2 amino acid(s) of the SLC5A7 protein (p.Cys493_Ile494dup), but otherwise preserves the integrity of the reading frame.